The following is an entry in ClinVar:

ClinVar aggregate classification (germline): Uncertain significance. Review status: criteria provided, multiple submitters, no conflicts (2 of 4 stars). 2 submissions from 2 submitters: Uncertain significance (2). Last evaluated 2022-08-09.

Conditions:
Neuronal ceroid lipofuscinosis 1 (CLN1). Also called: CEROID LIPOFUSCINOSIS, NEURONAL, 1, VARIABLE AGE AT ONSET; PPT1-Related Neuronal Ceroid-Lipofuscinosis. Identifiers: Orphanet 228329, MedGen C1850451, MONDO:0009744, OMIM 256730.

Allele frequency attached by ClinVar (database versions not stated): TOPMed 0.00004; 1000 Genomes Project 0.00040; 1000 Genomes Project 30x 0.00047.
gnomAD v4.1: 45 of 1,613,974 alleles (0.0028%); highest among the groups gnomAD compares: East Asian, 0.0067%; no homozygotes.

Submissions (2):

Labcorp Genetics (formerly Invitae), Labcorp
Classification: Uncertain significance for Neuronal ceroid lipofuscinosis 1. Last evaluated: 2022-08-09. Review status: criteria provided, single submitter. Criteria: Invitae Variant Classification Sherloc (09022015). Collection method: clinical testing. Allele origin: germline.
Comment: This sequence change replaces cysteine, which is neutral and slightly polar, with serine, which is neutral and polar, at codon 6 of the PPT1 protein (p.Cys6Ser). This variant is present in population databases (rs202241486, gnomAD 0.01%). This variant has not been reported in the literature in individuals affected with PPT1-related conditions. ClinVar contains an entry for this variant (Variation ID: 978124). Advanced modeling of protein sequence and biophysical properties (such as structural, functional, and spatial information, amino acid conservation, physicochemical variation, residue mobility, and thermodynamic stability) performed at Invitae indicates that this missense variant is not expected to disrupt PPT1 protein function. In summary, the available evidence is currently insufficient to determine the role of this variant in disease. Therefore, it has been classified as a Variant of Uncertain Significance.

New York Genome Center
Classification: Uncertain significance for Neuronal ceroid lipofuscinosis 1. Last evaluated: 2022-01-07. Review status: criteria provided, single submitter. Criteria: NYGC Assertion Criteria 2020. Collection method: clinical testing. Allele origin: germline. Observed: 1 heterozygote. Study: CSER-NYCKidSeq.

NM_000310.4(PPT1):c.17G>C (p.Cys6Ser)

Gene: PPT1 (palmitoyl-protein thioesterase 1; minus strand). Cytogenetic location: 1p34.2.
Variant type: single nucleotide variant.
Coding change: c.17G>C on transcript NM_000310.4 (MANE Select); coding-DNA position 17, G replaced by C.
Protein change: p.Cys6Ser; replaces cysteine 6 with serine.
Molecular consequence: missense variant.
Genome position (GRCh38, 1-based): chr1:40,097,222, C>G on the plus strand (G>C on the coding strand, the complement: PPT1 is on the minus strand). VCF-style: chr1-40097222-C-G. GRCh37 (hg19) VCF-style: chr1-40562894-C-G.
Other names: c.17G>C, p.Cys6Ser (NM_001142604.2, NM_001363695.2); short protein forms C6S.
Identifiers: ClinVar variation 978124 (VCV000978124.5), dbSNP rs202241486, ClinGen allele CA789860.
Genomic context (GRCh38, chr1:40,097,222, plus strand): 5'-TGCTGCAGCGCCCGAGAAGCGCAGGTCCATGGCAGGAGAGCCACAGCCAAGAGCCACAGG[C>G]AGCCGGGCGACGCCATCTTCGCTGTGTCACATGACCGCGGGCGCGAGACTCCGGGAACCG-3'
Protein context (NP_000301.1, residues 1-16): MASPG[Cys6Ser]LWLLAVALLP